The following is an entry in ClinVar:

NM_001267550.2(TTN):c.50248+6C>G

Genes: TTN (titin; minus strand), TTN-AS1 (TTN antisense RNA 1; plus strand). Cytogenetic location: 2q31.2.
Variant type: single nucleotide variant.
Coding change: c.50248+6C>G on transcript NM_001267550.2 (MANE Select); 6 bases into the intron after coding-DNA position 50248, C replaced by G.
Molecular consequence: intron variant.
Genome position (GRCh38, 1-based): chr2:178,612,271, G>C on the plus strand (C>G on the coding strand, the complement: TTN is on the minus strand). VCF-style: chr2-178612271-G-C. GRCh37 (hg19) VCF-style: chr2-179476998-G-C.
Other names: c.23053+6C>G (NM_003319.4); c.23629+6C>G (NM_133437.4); c.23428+6C>G (NM_133432.3); c.42544+6C>G (NM_133378.4); c.45325+6C>G (NM_001256850.1).
Identifiers: ClinVar variation 392770 (VCV000392770.1), dbSNP rs1057524622, ClinGen allele CA16603906.

ClinVar aggregate classification (germline): Likely benign (1 of 4 stars; one submission).

Submission:

GeneDx
Classification: Likely benign. Last evaluated: 2017-01-17. Review status: criteria provided, single submitter. Criteria: GeneDx Variant Classification (06012015). Collection method: clinical testing. Allele origin: germline. Affected: yes.
Comment: This variant is considered likely benign or benign based on one or more of the following criteria: it is a conservative change, it occurs at a poorly conserved position in the protein, it is predicted to be benign by multiple in silico algorithms, and/or has population frequency not consistent with disease.